The following is an entry in ClinVar:

NM_002582.4(PARN):c.1493G>A (p.Ser498Asn)

Gene: PARN (poly(A)-specific ribonuclease; minus strand). Cytogenetic location: 16p13.12.
Variant type: single nucleotide variant.
Coding change: c.1493G>A on transcript NM_002582.4 (MANE Select); coding-DNA position 1493, G replaced by A.
Protein change: p.Ser498Asn; replaces serine 498 with asparagine.
Molecular consequence: missense variant.
Genome position (GRCh38, 1-based): chr16:14,482,815, C>T on the plus strand (G>A on the coding strand, the complement: PARN is on the minus strand). VCF-style: chr16-14482815-C-T. GRCh37 (hg19) VCF-style: chr16-14576672-C-T.
Other names: p.Ser498Asn; c.1493G>A, p.Ser498Asn (LRG_1286t1); c.1310G>A, p.Ser437Asn (NM_001134477.3); c.1355G>A, p.Ser452Asn (NM_001242992.2); short protein forms S498N, S437N, S452N.
Identifiers: ClinVar variation 640742 (VCV000640742.14), dbSNP rs200471459, ClinGen allele CA7911998.

ClinVar aggregate classification (germline): Uncertain significance. Review status: criteria provided, multiple submitters, no conflicts (2 of 4 stars). 8 submissions from 8 submitters: Uncertain significance (5). 3 of the submissions do not count toward it. Last evaluated 2026-01-26.

Conditions:
Dyskeratosis congenita, autosomal recessive 6 (DKCB6). Identifiers: MedGen C4225356, MONDO:0014600, OMIM 616353.
Pulmonary fibrosis and/or bone marrow failure, Telomere-related, 4. Also called: PULMONARY FIBROSIS AND/OR BONE MARROW FAILURE SYNDROME, TELOMERE-RELATED, 4. Identifiers: Orphanet 2032, MedGen C4225347, MONDO:0014612, OMIM 616371.
PARN-related disorder. Also called: PARN-related disorders; PARN-related condition.
Familial Interstitial Pneumonia.
Pulmonary fibrosis. Identifiers: MedGen C0034069, MONDO:0002771, HP:0002206.

Allele frequency attached by ClinVar (database versions not stated): ESP Exome Variant Server 0.00008; TOPMed 0.00019; 1000 Genomes Project 0.00020; gnomAD 0.00020 and 0.00021; gnomAD exomes 0.00023 and 0.00024; ExAC 0.00031; 1000 Genomes Project 30x 0.00047.
gnomAD v4.1: 385 of 1,607,202 alleles (0.024%); highest among the groups gnomAD compares: South Asian, 0.054%; 1 homozygote.

Submissions (8):

Labcorp Genetics (formerly Invitae), Labcorp
Classification: Uncertain significance for Dyskeratosis congenita, autosomal recessive 6; Pulmonary fibrosis and/or bone marrow failure, Telomere-related, 4. Last evaluated: 2026-01-26. Review status: criteria provided, single submitter. Criteria: Invitae Variant Classification Sherloc (09022015). Collection method: clinical testing. Allele origin: germline.
Comment: This sequence change replaces serine, which is neutral and polar, with asparagine, which is neutral and polar, at codon 498 of the PARN protein (p.Ser498Asn). This variant is present in population databases (rs200471459, gnomAD 0.05%). This missense change has been observed in individual(s) with interstitial lung disease (PMID: 28414520). ClinVar contains an entry for this variant (Variation ID: 640742). Invitae Evidence Modeling of protein sequence and biophysical properties (such as structural, functional, and spatial information, amino acid conservation, physicochemical variation, residue mobility, and thermodynamic stability) indicates that this missense variant is not expected to disrupt PARN protein function with a negative predictive value of 80%. In summary, the available evidence is currently insufficient to determine the role of this variant in disease. Therefore, it has been classified as a Variant of Uncertain Significance.

PreventionGenetics, part of Exact Sciences
Classification: Uncertain significance for PARN-related condition. Last evaluated: 2025-11-22. Review status: criteria provided, single submitter. Criteria: ACMG Guidelines, 2015. Collection method: clinical testing. Allele origin: germline.
Comment: The PARN c.1493G>A variant is predicted to result in the amino acid substitution p.Ser498Asn. This variant has been reported in at least two families with pulmonary fibrosis; however, this variant was not found in similarly affected family members (Kropski et al. 2017. PubMed ID: 28414520; van der Vis et al. 2021. PubMed ID: 34580961). This variant is reported in 0.049% of alleles in individuals of South Asian descent in gnomAD. At this time, the clinical significance of this variant is uncertain due to the absence of conclusive functional and genetic evidence.

Blueprint Genetics
Classification: Uncertain significance. Last evaluated: 2024-11-12. Review status: criteria provided, single submitter. Criteria: ACMG Guidelines, 2015. Collection method: clinical testing. Allele origin: germline.

Mayo Clinic Laboratories, Mayo Clinic
Classification: Uncertain significance. Last evaluated: 2024-07-25. Review status: criteria provided, single submitter. Criteria: ACMG Guidelines, 2015. Collection method: clinical testing. Allele origin: germline. Observed: 2 variant alleles.

Fulgent Genetics
Classification: Uncertain significance for Dyskeratosis congenita, autosomal recessive 6; Pulmonary fibrosis and/or bone marrow failure, Telomere-related, 4. Last evaluated: 2024-04-23. Review status: criteria provided, single submitter. Criteria: ACMG Guidelines, 2015. Collection method: clinical testing. Allele origin: germline.

Clinical Genetics DNA and cytogenetics Diagnostics Lab, Erasmus MC, Erasmus Medical Center
Classification: Uncertain significance. Review status: no assertion criteria provided. Collection method: clinical testing. Allele origin: germline. Affected: yes. Study: VKGL Data-share Consensus. Not counted in ClinVar's aggregate classification.

Laboratory of Diagnostic Genome Analysis, Leiden University Medical Center (LUMC)
Classification: Uncertain significance. Review status: no assertion criteria provided. Collection method: clinical testing. Allele origin: germline. Affected: yes. Study: VKGL Data-share Consensus. Not counted in ClinVar's aggregate classification.

University of Washington Center for Mendelian Genomics, University of Washington
Classification: Uncertain significance for Pulmonary Fibrosis; Familial Interstitial Pneumonia. Review status: no assertion criteria provided. Collection method: research. Allele origin: inherited. Affected: yes. Not counted in ClinVar's aggregate classification.

Literature cited by the submitters: PubMed 28414520 (cited by 3 submitters); PubMed 29891356 (cited by Mayo Clinic Laboratories, Mayo Clinic); PubMed 34580961 (cited by Mayo Clinic Laboratories, Mayo Clinic).